The following is an entry in ClinVar:

NM_003482.4(KMT2D):c.1367_1420dup (p.Glu473_Leu474insSerProThrSerProProProGluAlaSerArgLeuSerProProProGluGlu)

Gene: KMT2D (lysine methyltransferase 2D; minus strand). Cytogenetic location: 12q13.12.
Variant type: Duplication.
Coding change: c.1367_1420dup on transcript NM_003482.4 (MANE Select); coding-DNA positions 1367 to 1420, 54 bases duplicated.
Protein change: p.Glu473_Leu474insSerProThrSerProProProGluAlaSerArgLeuSerProProProGluGlu.
Molecular consequence: inframe insertion.
Genome position (GRCh38, 1-based): chr12:49,052,263-49,052,316, 54 bases duplicated. GRCh37 (hg19): chr12:49,446,062-49,446,115.
Identifiers: ClinVar variation 2043118 (VCV002043118.4), dbSNP rs1565820490, ClinGen allele CA605234068.

ClinVar aggregate classification (germline): Uncertain significance (1 of 4 stars; one submission).

Conditions:
Kabuki syndrome. Also called: NIIKAWA-KUROKI SYNDROME; Kabuki make-up syndrome. Identifiers: Orphanet 2322, MedGen C0796004, MONDO:0016512.

Submission:

Labcorp Genetics (formerly Invitae), Labcorp
Classification: Uncertain significance for Kabuki syndrome. Last evaluated: 2025-05-05. Review status: criteria provided, single submitter. Criteria: Invitae Variant Classification Sherloc (09022015). Collection method: clinical testing. Allele origin: germline.
Comment: This variant, c.1367_1420dup, results in the insertion of 18 amino acid(s) of the KMT2D protein (p.Ser456_Glu473dup), but otherwise preserves the integrity of the reading frame. This variant is present in population databases (no rsID available, gnomAD 0.04%), and has an allele count higher than expected for a pathogenic variant. This variant has not been reported in the literature in individuals affected with KMT2D-related conditions. ClinVar contains an entry for this variant (Variation ID: 2043118). Experimental studies and prediction algorithms are not available or were not evaluated, and the functional significance of this variant is currently unknown. In summary, the available evidence is currently insufficient to determine the role of this variant in disease. Therefore, it has been classified as a Variant of Uncertain Significance.